The following is an entry in ClinVar:

ClinVar aggregate classification (germline): Benign/Likely benign. Review status: criteria provided, multiple submitters, no conflicts (2 of 4 stars). 5 submissions from 5 submitters: Benign (1); Likely benign (4). Last evaluated 2025-09-24.

Conditions:
Familial adenomatous polyposis 1 (FAP1). Also called: POLYPOSIS, ADENOMATOUS INTESTINAL; FAMILIAL ADENOMATOUS POLYPOSIS 1, ATTENUATED. Identifiers: MedGen C2713442, MONDO:0021056, OMIM 175100. Disease mechanism: loss of function.
Hereditary cancer-predisposing syndrome. Also called: Hereditary neoplastic syndrome; Neoplastic Syndromes, Hereditary; Tumor predisposition; Hereditary Cancer Syndrome. Identifiers: Orphanet 140162, MedGen C0027672, MeSH D009386, MONDO:0015356.

Allele frequency attached by ClinVar (database versions not stated): gnomAD exomes below 0.00001; gnomAD 0.00001.
gnomAD v4.1: 2 of 1,613,984 alleles (0.00012%); highest among the groups gnomAD compares: Admixed American, 0.0033%; no homozygotes.

Submissions (5):

Labcorp Genetics (formerly Invitae), Labcorp
Classification: Likely benign for Familial adenomatous polyposis 1. Last evaluated: 2025-09-24. Review status: criteria provided, single submitter. Criteria: Invitae Variant Classification Sherloc (09022015). Collection method: clinical testing. Allele origin: germline.

Ambry Genetics
Classification: Likely benign for Hereditary cancer-predisposing syndrome. Last evaluated: 2025-09-12. Review status: criteria provided, single submitter. Criteria: Ambry Variant Classification Scheme 2023. Collection method: clinical testing. Allele origin: germline.

Myriad Genetics, Inc.
Classification: Benign for Familial adenomatous polyposis 1. Last evaluated: 2024-04-12. Review status: criteria provided, single submitter. Criteria: Myriad Autosomal Dominant, Autosomal Recessive and X-Linked Classification Criteria (2023). Collection method: clinical testing. Allele origin: unknown.
Comment: This variant is considered benign. This variant is a silent/synonymous amino acid change and it is not expected to impact splicing.

Quest Diagnostics Nichols Institute San Juan Capistrano
Classification: Likely benign. Last evaluated: 2020-09-16. Review status: criteria provided, single submitter. Criteria: Quest Diagnostics criteria. Collection method: clinical testing. Allele origin: unknown.

GeneDx
Classification: Likely benign. Last evaluated: 2017-12-26. Review status: criteria provided, single submitter. Criteria: GeneDx Variant Classification (06012015). Collection method: clinical testing. Allele origin: germline. Affected: yes.
Comment: This variant is considered likely benign or benign based on one or more of the following criteria: it is a conservative change, it occurs at a poorly conserved position in the protein, it is predicted to be benign by multiple in silico algorithms, and/or has population frequency not consistent with disease.

NM_000038.6(APC):c.8226A>G (p.Gln2742=)

Gene: APC (APC regulator of Wnt signaling pathway; plus strand). Cytogenetic location: 5q22.2.
Variant type: single nucleotide variant.
Coding change: c.8226A>G on transcript NM_000038.6 (MANE Select); coding-DNA position 8226, A replaced by G.
Protein change: p.Gln2742=; no amino-acid change (glutamine 2742 retained).
Molecular consequence: synonymous variant.
Genome position (GRCh38, 1-based): chr5:112,843,820, A>G. VCF-style: chr5-112843820-A-G. GRCh37 (hg19) VCF-style: chr5-112179517-A-G.
Other names: c.8226A>G, p.Gln2742= (NM_001127510.3, NM_001354895.2); c.8172A>G, p.Gln2724= (NM_001127511.3); c.8280A>G, p.Gln2760= (NM_001354896.2); c.8256A>G, p.Gln2752= (NM_001354897.2); c.8151A>G, p.Gln2717= (NM_001354898.2); c.8142A>G, p.Gln2714= (NM_001354899.2); c.8103A>G, p.Gln2701= (NM_001354900.2); c.8049A>G, p.Gln2683= (NM_001354901.2); and 5 more.
Identifiers: ClinVar variation 470134 (VCV000470134.16), dbSNP rs1404406885, ClinGen allele CA446211314.